The following is an entry in ClinVar:

ClinVar aggregate classification (germline): Uncertain significance (1 of 4 stars; one submission).

Conditions:
Familial thoracic aortic aneurysm and aortic dissection (TAAD). Also called: Thoracic aortic aneurysms and dissections. Identifiers: Orphanet 91387, MedGen C4707243, MONDO:0019625.

Submission:

Ambry Genetics
Classification: Uncertain significance for Familial thoracic aortic aneurysm and aortic dissection. Last evaluated: 2025-03-31. Review status: criteria provided, single submitter. Criteria: Ambry Variant Classification Scheme 2023. Collection method: clinical testing. Allele origin: germline.
Comment: The p.F941C variant (also known as c.2822T>G), located in coding exon 18 of the NOTCH1 gene, results from a T to G substitution at nucleotide position 2822. The phenylalanine at codon 941 is replaced by cysteine, an amino acid with highly dissimilar properties. This amino acid position is conserved. In addition, the in silico prediction for this alteration is inconclusive. Based on the available evidence, the clinical significance of this variant remains unclear.

NM_017617.5(NOTCH1):c.2822T>G (p.Phe941Cys)

Gene: NOTCH1 (notch receptor 1; minus strand). Cytogenetic location: 9q34.3.
Variant type: single nucleotide variant.
Coding change: c.2822T>G on transcript NM_017617.5 (MANE Select); coding-DNA position 2822, T replaced by G.
Protein change: p.Phe941Cys; replaces phenylalanine 941 with cysteine.
Molecular consequence: missense variant.
Genome position (GRCh38, 1-based): chr9:136,509,880, A>C on the plus strand (T>G on the coding strand, the complement: NOTCH1 is on the minus strand). VCF-style: chr9-136509880-A-C. GRCh37 (hg19) VCF-style: chr9-139404332-A-C.
Other names: short protein forms F941C.
Identifiers: ClinVar variation 3921042 (VCV003921042.1).